The following is an entry in ClinVar:

ClinVar aggregate classification (germline): Pathogenic (1 of 4 stars; one submission).

Conditions:
Cockayne spectrum with or without cerebrooculofacioskeletal syndrome. Identifiers: MedGen CN315928, MONDO:0100506.

Submission:

Myriad Genetics, Inc.
Classification: Pathogenic for Cockayne spectrum with or without cerebrooculofacioskeletal syndrome. Last evaluated: 2023-12-30. Review status: criteria provided, single submitter. Criteria: Myriad Autosomal Dominant, Autosomal Recessive and X-Linked Classification Criteria (2023). Collection method: clinical testing. Allele origin: unknown.
Comment: NM_000124.2(ERCC6):c.2797_2805del9ins2(D933Lfs*17) is expected to be pathogenic in the context of ERCC6-related disorders. This variant is predicted to lead to an abnormal or absent protein product due to the creation of a premature termination codon in ERCC6, a gene where loss-of-function variants are known to be pathogenic. Please note: this variant was assessed in the context of healthy population screening.

NM_000124.4(ERCC6):c.2797_2805delinsCT (p.Asp933fs)

Genes: ERCC6 (ERCC excision repair 6, chromatin remodeling factor; minus strand), LOC126860933 (BRD4-independent group 4 enhancer GRCh37_chr10:50679962-50681161; plus strand). Cytogenetic location: 10q11.23.
Variant type: Indel.
Coding change: c.2797_2805delinsCT on transcript NM_000124.4 (MANE Select); coding-DNA positions 2797 to 2805, GACCCAGAC replaced by CT.
Protein change: p.Asp933fs; shifts the reading frame from aspartic acid 933.
Molecular consequence: frameshift variant.
Genome position (GRCh38, 1-based): chr10:49,472,933-49,472,941, GTCTGGGTC replaced by AG on the plus strand (GACCCAGAC replaced by CT on the coding strand, the reverse complement: ERCC6 is on the minus strand). VCF-style: chr10-49472933-GTCTGGGTC-AG. GRCh37 (hg19) VCF-style: chr10-50680979-GTCTGGGTC-AG.
Other names: c.2797_2805delinsCT, p.Asp933fs (NM_001346440.2); short protein forms D933fs.
Identifiers: ClinVar variation 5012619 (VCV005012619.1).